The following is an entry in ClinVar:

NM_003900.5(SQSTM1):c.1323_*22dup (p.Ter441=)

Gene: SQSTM1 (sequestosome 1; plus strand). Cytogenetic location: 5q35.3.
Variant type: Duplication.
Coding change: c.1323_*22dup on transcript NM_003900.5 (MANE Select); coding-DNA position 1323 through 22 bases downstream of the stop codon, 23 bases duplicated (ACCACTTTTGCCCACCTCTTCTG).
Protein change: p.Ter441=.
Molecular consequence: no sequence alteration.
Genome position (GRCh38, 1-based): chr5:179,836,593-179,836,615, ACCACTTTTGCCCACCTCTTCTG duplicated; duplicating any 23 consecutive bases within chr5:179,836,591-179,836,615 gives the same sequence; the c. name uses the placement nearest the transcript's 3' end. VCF-style (leftmost placement, unchanged base first): chr5-179836590-G-GTGACCACTTTTGCCCACCTCTTC. GRCh37 (hg19) VCF-style: chr5-179263590-G-GTGACCACTTTTGCCCACCTCTTC.
Other names: c.1071_*22dup, p.Ter357= (NM_001142298.2, NM_001142299.2).
Identifiers: ClinVar variation 4785428 (VCV004785428.1).
Genomic context (GRCh38, chr5:179,836,590, plus strand): 5'-GAACTATGACATCGGAGCGGCTCTGGACACCATCCAGTATTCAAAGCATCCCCCGCCGTT[G>GTGACCACTTTTGCCCACCTCTTC]TGACCACTTTTGCCCACCTCTTCTGCGTGCCCCTCTTCTGTCTCATAGTTGTGTTAAGCT-3'

ClinVar aggregate classification (germline): Uncertain significance (1 of 4 stars; one submission).

Conditions:
Frontotemporal dementia and/or amyotrophic lateral sclerosis 1 (FTDALS1). Also called: C9orf72 Frontotemporal Dementia and/or Amyotrophic Lateral Sclerosis; Frontotemporal dementia with motor neuron disease 1. Identifiers: Orphanet 275872, MedGen C5779877, MONDO:0007105, OMIM 105550.
Paget disease of bone 2, early-onset (PDB2). Also called: Paget disease of bone 2. Identifiers: MedGen C4085251, MONDO:0011183, OMIM 602080.

Submission:

Labcorp Genetics (formerly Invitae), Labcorp
Classification: Uncertain significance for Paget disease of bone 2, early-onset; Frontotemporal dementia and/or amyotrophic lateral sclerosis 1. Last evaluated: 2025-06-30. Review status: criteria provided, single submitter. Criteria: Invitae Variant Classification Sherloc (09022015). Collection method: clinical testing. Allele origin: germline.
Comment: This variant occurs in a non-coding region of the SQSTM1 gene. It does not change the encoded amino acid sequence of the SQSTM1 protein. This variant is not present in population databases (gnomAD no frequency). This variant has not been reported in the literature in individuals affected with SQSTM1-related conditions. Experimental studies and prediction algorithms are not available or were not evaluated, and the functional significance of this variant is currently unknown. In summary, the available evidence is currently insufficient to determine the role of this variant in disease. Therefore, it has been classified as a Variant of Uncertain Significance.